The following is an entry in ClinVar:

ClinVar aggregate classification (germline): Likely benign (1 of 4 stars; one submission).

Allele frequency attached by ClinVar (database versions not stated): gnomAD exomes below 0.00001; TOPMed below 0.00001; ExAC 0.00001.
gnomAD v4.1: 1 of 1,613,956 alleles (0.000062%); highest among the groups gnomAD compares: African/African-American, 0.0013%; no homozygotes.

Submission:

Laboratory for Molecular Medicine, Mass General Brigham Personalized Medicine
Classification: Likely benign. Last evaluated: 2016-06-20. Review status: criteria provided, single submitter. Criteria: LMM Criteria. Collection method: clinical testing. Allele origin: germline. Observed: 1 variant allele.
Comment: p.Thr4263Ala in exon 45B of TTN: This variant is not expected to have clinical s ignificance due to a lack of conservation across species, including mammals. Of note, 6 mammals (alpaca, camel, seal, brown bat, mole, tasmanian devil) have ala nine (Ala) at this position. It was identified in 1/9790 African chromosomes by the Exome Aggregation Consortium (ExAC; dbSNP rs 750320283). In addition, computational prediction tools do not suggest a high li kelihood of impact to the protein.

NM_001267550.2(TTN):c.13501A>G (p.Thr4501Ala)

Gene: TTN (titin; minus strand). Cytogenetic location: 2q31.2.
Variant type: single nucleotide variant.
Coding change: c.13501A>G on transcript NM_001267550.2 (MANE Select); coding-DNA position 13501, A replaced by G.
Protein change: p.Thr4501Ala; replaces threonine 4501 with alanine.
Molecular consequence: missense variant. On other transcripts: intron variant (1).
Genome position (GRCh38, 1-based): chr2:178,739,732, T>C on the plus strand (A>G on the coding strand, the complement: TTN is on the minus strand). VCF-style: chr2-178739732-T-C. GRCh37 (hg19) VCF-style: chr2-179604459-T-C.
Other names: c.12787A>G, p.Thr4263Ala (NM_133432.3); c.12412A>G, p.Thr4138Ala (NM_003319.4); c.12988A>G, p.Thr4330Ala (NM_133437.4); c.10361-1372A>G (NM_133378.4); c.12550A>G, p.Thr4184Ala (NM_001256850.1); short protein forms T4263A, T4501A, T4330A, T4138A, T4184A.
Identifiers: ClinVar variation 505128 (VCV000505128.5), dbSNP rs750320283, ClinGen allele CA2002571.